The following is an entry in ClinVar:

NM_004621.6(TRPC6):c.1899C>T (p.Asp633=)

Gene: TRPC6 (transient receptor potential cation channel subfamily C member 6; minus strand). Cytogenetic location: 11q22.1.
Variant type: single nucleotide variant.
Coding change: c.1899C>T on transcript NM_004621.6 (MANE Select); coding-DNA position 1899, C replaced by T.
Protein change: p.Asp633=; no amino-acid change (aspartic acid 633 retained).
Molecular consequence: synonymous variant.
Genome position (GRCh38, 1-based): chr11:101,473,619, G>A on the plus strand (C>T on the coding strand, the complement: TRPC6 is on the minus strand). VCF-style: chr11-101473619-G-A. GRCh37 (hg19) VCF-style: chr11-101344350-G-A.
Identifiers: ClinVar variation 878482 (VCV000878482.7), dbSNP rs187196477, ClinGen allele CA6244238.
Genomic context (GRCh38, chr11:101,473,619, plus strand): 5'-GAACATTCCAATCATAAAGGCCACAAACACCATAATGAATATGACCATGAACTTGAAGAT[G>A]TCTTTGACTGTTCTTCCAAGTGATATCTGCAGAGGTCCAAAGCTTTCATTTGCTGGTAAA-3'
Protein context (NP_004612.2, residues 623-643): LQISLGRTVK[Asp633=]IFKFMVIFIM

ClinVar aggregate classification (germline): Likely benign. Review status: criteria provided, multiple submitters, no conflicts (2 of 4 stars). 2 submissions from 2 submitters: Likely benign (2). Last evaluated 2024-12-05.

Conditions:
Focal segmental glomerulosclerosis 2 (FSGS2). Identifiers: Orphanet 656, MedGen C1858915, MONDO:0011390, OMIM 603965.

Allele frequency attached by ClinVar (database versions not stated): ExAC 0.00007; gnomAD 0.00007; gnomAD exomes 0.00007; TOPMed 0.00012; ESP Exome Variant Server 0.00015; 1000 Genomes Project 0.00020; 1000 Genomes Project 30x 0.00031.
gnomAD v4.1: 121 of 1,613,798 alleles (0.0075%); highest among the groups gnomAD compares: Middle Eastern, 0.033%; no homozygotes.

Submissions (2):

Labcorp Genetics (formerly Invitae), Labcorp
Classification: Likely benign. Last evaluated: 2024-12-05. Review status: criteria provided, single submitter. Criteria: Invitae Variant Classification Sherloc (09022015). Collection method: clinical testing. Allele origin: germline.

Illumina Laboratory Services, Illumina
Classification: Likely benign for Focal segmental glomerulosclerosis 2. Last evaluated: 2018-01-12. Review status: criteria provided, single submitter. Criteria: ICSL Variant Classification Criteria 13 December 2019. Collection method: clinical testing. Allele origin: germline.
Comment: This variant was observed in the ICSL laboratory as part of a predisposition screen in an ostensibly healthy population. It had not been previously curated by ICSL or reported in the Human Gene Mutation Database (HGMD: prior to June 1st, 2018), and was therefore a candidate for classification through an automated scoring system. Utilizing variant allele frequency, disease prevalence and penetrance estimates, and inheritance mode, an automated score was calculated to assess if this variant is too frequent to cause the disease. Based on the score and internal cut-off values, a variant classified as likely benign is not then subjected to further curation. The score for this variant resulted in a classification of likely benign for this disease.